The following is an entry in ClinVar:

ClinVar aggregate classification (germline): Uncertain significance (1 of 4 stars; one submission).

Allele frequency attached by ClinVar (database versions not stated): gnomAD exomes below 0.00001.
gnomAD v4.1: 5 of 1,614,152 alleles (0.00031%); highest among the groups gnomAD compares: Non-Finnish European, 0.00042%; no homozygotes.

Submission:

Ambry Genetics
Classification: Uncertain significance. Last evaluated: 2024-06-27. Review status: criteria provided, single submitter. Criteria: Ambry Variant Classification Scheme 2023. Collection method: clinical testing. Allele origin: germline.
Comment: The p.S1527R variant (also known as c.4581C>G), located in coding exon 40 of the KIF1B gene, results from a C to G substitution at nucleotide position 4581. The serine at codon 1527 is replaced by arginine, an amino acid with dissimilar properties. This amino acid position is conserved. In addition, the in silico prediction for this alteration is inconclusive. Since supporting evidence is limited at this time, the clinical significance of this alteration remains unclear.

NM_001365951.3(KIF1B):c.4719C>G (p.Ser1573Arg)

Gene: KIF1B (kinesin family member 1B; plus strand). Cytogenetic location: 1p36.22.
Variant type: single nucleotide variant.
Coding change: c.4719C>G on transcript NM_001365951.3 (MANE Select); coding-DNA position 4719, C replaced by G.
Protein change: p.Ser1573Arg; replaces serine 1573 with arginine.
Molecular consequence: missense variant.
Genome position (GRCh38, 1-based): chr1:10,365,615, C>G. VCF-style: chr1-10365615-C-G. GRCh37 (hg19) VCF-style: chr1-10425673-C-G.
Other names: c.4719C>G, p.Ser1573Arg (NM_001365952.1); c.4581C>G, p.Ser1527Arg (NM_015074.3); short protein forms S1527R, S1573R.
Identifiers: ClinVar variation 1741648 (VCV001741648.3), dbSNP rs1638549219, ClinGen allele CA338322474.